The following is an entry in ClinVar:

NM_177438.3(DICER1):c.547G>A (p.Asp183Asn)

Gene: DICER1 (dicer 1, ribonuclease III; minus strand). Cytogenetic location: 14q32.13.
Variant type: single nucleotide variant.
Coding change: c.547G>A on transcript NM_177438.3 (MANE Select); coding-DNA position 547, G replaced by A.
Protein change: p.Asp183Asn; replaces aspartic acid 183 with asparagine.
Molecular consequence: missense variant.
Genome position (GRCh38, 1-based): chr14:95,130,084, C>T on the plus strand (G>A on the coding strand, the complement: DICER1 is on the minus strand). VCF-style: chr14-95130084-C-T. GRCh37 (hg19) VCF-style: chr14-95596421-C-T.
Other names: c.547G>A, p.Asp183Asn (NM_001195573.1, NM_001271282.3, NM_001291628.2 and 1 more transcripts); short protein forms D183N.
Identifiers: ClinVar variation 1482227 (VCV001482227.9), dbSNP rs2140266379, ClinGen allele CA390888385.

ClinVar aggregate classification (germline): Uncertain significance. Review status: criteria provided, multiple submitters, no conflicts (2 of 4 stars). 2 submissions from 2 submitters: Uncertain significance (2). Last evaluated 2023-03-27.

Conditions:
Hereditary cancer-predisposing syndrome. Also called: Hereditary neoplastic syndrome; Tumor predisposition; Neoplastic Syndromes, Hereditary; Hereditary Cancer Syndrome. Identifiers: Orphanet 140162, MedGen C0027672, MeSH D009386, MONDO:0015356.
DICER1-related tumor predisposition. Also called: DICER1-related pleuropulmonary blastoma cancer predisposition syndrome; DICER1 syndrome. Identifiers: Orphanet 284343, MedGen C3839822, MONDO:0100216.

Submissions (2):

Labcorp Genetics (formerly Invitae), Labcorp
Classification: Uncertain significance for DICER1-related tumor predisposition. Last evaluated: 2023-03-27. Review status: criteria provided, single submitter. Criteria: Invitae Variant Classification Sherloc (09022015). Collection method: clinical testing. Allele origin: germline.
Comment: ClinVar contains an entry for this variant (Variation ID: 1482227). This variant has not been reported in the literature in individuals affected with DICER1-related conditions. This variant is not present in population databases (gnomAD no frequency). This sequence change replaces aspartic acid, which is acidic and polar, with asparagine, which is neutral and polar, at codon 183 of the DICER1 protein (p.Asp183Asn). Advanced modeling of protein sequence and biophysical properties (such as structural, functional, and spatial information, amino acid conservation, physicochemical variation, residue mobility, and thermodynamic stability) performed at Invitae indicates that this missense variant is not expected to disrupt DICER1 protein function. In summary, the available evidence is currently insufficient to determine the role of this variant in disease. Therefore, it has been classified as a Variant of Uncertain Significance.

Sema4
Classification: Uncertain significance for Hereditary cancer-predisposing syndrome. Last evaluated: 2022-02-14. Review status: criteria provided, single submitter. Criteria: Sema4 Curation Guidelines. Collection method: curation. Allele origin: germline.
Comment: The DICER1 c.547G>A (p.D183N) variant has not been reported in the literature to our knowledge. It was not observed in the large and broad cohorts of the Genome Aggregation Database (PMID: 32461654). This variant has not been reported in ClinVar. Functional studies have not been performed, and in silico predictions of the variant's effect on protein function are inconclusive. The evidence is insufficient to meet ACMG/AMP criteria for classifying the variant as benign or pathogenic. Thus, the clinical significance of this variant is currently uncertain.